The following is an entry in ClinVar:

ClinVar aggregate classification (germline): Conflicting classifications of pathogenicity. Review status: criteria provided, conflicting classifications (1 of 4 stars). 4 submissions from 4 submitters: Uncertain significance (1); Likely benign (3). Last evaluated 2024-11-24.

Conditions:
Hereditary nonpolyposis colorectal neoplasms. Identifiers: MedGen C0009405, MeSH D003123.
Lynch syndrome. Identifiers: Orphanet 144, MedGen C4552100, MONDO:0005835. Disease mechanism: loss of function.
Hereditary cancer-predisposing syndrome. Also called: Tumor predisposition; Neoplastic Syndromes, Hereditary; Hereditary neoplastic syndrome; Hereditary Cancer Syndrome. Identifiers: Orphanet 140162, MedGen C0027672, MeSH D009386, MONDO:0015356.

Submissions (4):

Labcorp Genetics (formerly Invitae), Labcorp
Classification: Likely benign for Hereditary nonpolyposis colorectal neoplasms. Last evaluated: 2024-11-24. Review status: criteria provided, single submitter. Criteria: Invitae Variant Classification Sherloc (09022015). Collection method: clinical testing. Allele origin: germline.

All of Us Research Program, National Institutes of Health
Classification: Likely benign for Lynch syndrome. Last evaluated: 2024-03-24. Review status: criteria provided, single submitter. Criteria: ACMG Guidelines, 2015. Collection method: clinical testing. Allele origin: germline. Inheritance: Autosomal dominant inheritance. Observed: 1 variant allele, 1 heterozygote.
Comment: This study involves interpretation of variants in research participants for the purpose of population health screening. Participant phenotype was not available at the time of variant classification. Additional details can be found in publication PMID: 35346344, PMCID: PMC8962531

Blueprint Genetics
Classification: Uncertain significance. Last evaluated: 2024-02-29. Review status: criteria provided, single submitter. Criteria: ACMG Guidelines, 2015. Collection method: clinical testing. Allele origin: germline.

Ambry Genetics
Classification: Likely benign for Hereditary cancer-predisposing syndrome. Last evaluated: 2020-11-25. Review status: criteria provided, single submitter. Criteria: Ambry Variant Classification Scheme 2023. Collection method: clinical testing. Allele origin: germline.

NM_000535.7(PMS2):c.354-5C>T

Gene: PMS2 (PMS1 homolog 2, mismatch repair system component; minus strand). Cytogenetic location: 7p22.1.
Variant type: single nucleotide variant.
Coding change: c.354-5C>T on transcript NM_000535.7 (MANE Select); 5 bases into the intron before coding-DNA position 354, C replaced by T.
Molecular consequence: intron variant. On other transcripts: missense variant (1).
Genome position (GRCh38, 1-based): chr7:6,002,641, G>A on the plus strand (C>T on the coding strand, the complement: PMS2 is on the minus strand). VCF-style: chr7-6002641-G-A. GRCh37 (hg19) VCF-style: chr7-6042272-G-A.
Other names: c.40C>T, p.His14Tyr (NM_001322015.2); c.36-5C>T (NM_001322008.2, NM_001322007.2); c.-52-5C>T (NM_001322010.2, NM_001322004.2, NM_001322013.2 and 3 more transcripts); c.-531-5C>T (NM_001322012.2, NM_001322011.2); c.354-5C>T (NM_001322006.2, NM_001322014.2); short protein forms H14Y.
Identifiers: ClinVar variation 794590 (VCV000794590.13), dbSNP rs200591010, ClinGen allele CA915944835.